The following is an entry in ClinVar:

NM_001080442.3(SLC38A8):c.585C>G (p.Tyr195Ter)

Gene: SLC38A8 (solute carrier family 38 member 8; minus strand). Cytogenetic location: 16q23.3.
Variant type: single nucleotide variant.
Coding change: c.585C>G on transcript NM_001080442.3 (MANE Select); coding-DNA position 585, C replaced by G.
Protein change: p.Tyr195Ter; replaces tyrosine 195 with a stop codon.
Molecular consequence: nonsense.
Genome position (GRCh38, 1-based): chr16:84,031,914, G>C on the plus strand (C>G on the coding strand, the complement: SLC38A8 is on the minus strand). VCF-style: chr16-84031914-G-C. GRCh37 (hg19) VCF-style: chr16-84065519-G-C.
Other names: short protein forms Y195*.
Identifiers: ClinVar variation 2779315 (VCV002779315.3), dbSNP rs764094963, ClinGen allele CA396938623.

ClinVar aggregate classification (germline): Pathogenic (1 of 4 stars; one submission).

gnomAD v4.1: 1 of 1,614,098 alleles (0.000062%); highest among the groups gnomAD compares: Admixed American, 0.0017%; no homozygotes.

Submission:

Labcorp Genetics (formerly Invitae), Labcorp
Classification: Pathogenic. Last evaluated: 2023-12-30. Review status: criteria provided, single submitter. Criteria: Invitae Variant Classification Sherloc (09022015). Collection method: clinical testing. Allele origin: germline.
Comment: This sequence change creates a premature translational stop signal (p.Tyr195*) in the SLC38A8 gene. It is expected to result in an absent or disrupted protein product. Loss-of-function variants in SLC38A8 are known to be pathogenic (PMID: 24290379). This variant is not present in population databases (gnomAD no frequency). This variant has not been reported in the literature in individuals affected with SLC38A8-related conditions. Algorithms developed to predict the effect of sequence changes on RNA splicing suggest that this variant may disrupt the consensus splice site. For these reasons, this variant has been classified as Pathogenic.

Literature cited by the submitters: PubMed 24290379.